The following is an entry in ClinVar:

ClinVar aggregate classification (germline): Uncertain significance (1 of 4 stars; one submission).

Conditions:
CHARGE syndrome (CHARGE). Also called: Coloboma, heart anomaly, choanal atresia, retardation, genital and ear anomalies; CHARGE association; Hall-Hittner syndrome; Hittner Hirsch Kreh syndrome; CHARGE ASSOCIATION--COLOBOMA, HEART ANOMALY, CHOANAL ATRESIA, RETARDATION, GENITAL AND EAR ANOMALIES. Identifiers: Orphanet 138, MedGen C0265354, MONDO:0008965.

Allele frequency attached by ClinVar (database versions not stated): gnomAD exomes below 0.00001; gnomAD 0.00001.
gnomAD v4.1: 2 of 1,585,110 alleles (0.00013%); highest among the groups gnomAD compares: Admixed American, 0.0017%; no homozygotes.

Submission:

HudsonAlpha Institute for Biotechnology
Classification: Uncertain significance for CHD7-related CHARGE syndrome. Last evaluated: 2021-10-13. Review status: criteria provided, single submitter. Criteria: ACMG Guidelines, 2015. Collection method: research. Allele origin: paternal. Observed: 1 variant allele. Study: HudsonAlpha-AGHI-WGS.
Comment: ACMG codes: PM2, PP3

NM_017780.4(CHD7):c.5404+5G>A

Gene: CHD7 (chromodomain helicase DNA binding protein 7; plus strand). Cytogenetic location: 8q12.2.
Variant type: single nucleotide variant.
Coding change: c.5404+5G>A on transcript NM_017780.4 (MANE Select); 5 bases into the intron after coding-DNA position 5404, G replaced by A.
Molecular consequence: intron variant.
Genome position (GRCh38, 1-based): chr8:60,849,159, G>A. VCF-style: chr8-60849159-G-A. GRCh37 (hg19) VCF-style: chr8-61761718-G-A.
Other names: c.1717-13070G>A (NM_001316690.1).
Identifiers: ClinVar variation 1684504 (VCV001684504.1), dbSNP rs1255859560, ClinGen allele CA581980893.